The following is an entry in ClinVar:

NM_000094.4(COL7A1):c.8747C>T (p.Ala2916Val)

Gene: COL7A1 (collagen type VII alpha 1 chain; minus strand). Cytogenetic location: 3p21.31.
Variant type: single nucleotide variant.
Coding change: c.8747C>T on transcript NM_000094.4 (MANE Select); coding-DNA position 8747, C replaced by T.
Protein change: p.Ala2916Val; replaces alanine 2916 with valine.
Molecular consequence: missense variant.
Genome position (GRCh38, 1-based): chr3:48,564,854, G>A on the plus strand (C>T on the coding strand, the complement: COL7A1 is on the minus strand). VCF-style: chr3-48564854-G-A. GRCh37 (hg19) VCF-style: chr3-48602287-G-A.
Other names: short protein forms A2916V.
Identifiers: ClinVar variation 1910667 (VCV001910667.2), dbSNP rs770841305, ClinGen allele CA2377887.

ClinVar aggregate classification (germline): Uncertain significance (1 of 4 stars; one submission).

Allele frequency attached by ClinVar (database versions not stated): gnomAD exomes below 0.00001; ExAC 0.00001.
gnomAD v4.1: 1 of 1,614,142 alleles (0.000062%); highest among the groups gnomAD compares: Non-Finnish European, 0.000085%; no homozygotes.

Submission:

Labcorp Genetics (formerly Invitae), Labcorp
Classification: Uncertain significance. Last evaluated: 2020-11-23. Review status: criteria provided, single submitter. Criteria: Invitae Variant Classification Sherloc (09022015). Collection method: clinical testing. Allele origin: germline.
Comment: This sequence change replaces alanine with valine at codon 2916 of the COL7A1 protein (p.Ala2916Val). The alanine residue is moderately conserved and there is a small physicochemical difference between alanine and valine. This variant is present in population databases (rs770841305, ExAC 0.002%). This variant has not been reported in the literature in individuals with COL7A1-related conditions. Advanced modeling of protein sequence and biophysical properties (such as structural, functional, and spatial information, amino acid conservation, physicochemical variation, residue mobility, and thermodynamic stability) performed at Invitae indicates that this missense variant is not expected to disrupt COL7A1 protein function. In summary, the available evidence is currently insufficient to determine the role of this variant in disease. Therefore, it has been classified as a Variant of Uncertain Significance.